The following is an entry in ClinVar:

ClinVar aggregate classification (germline): Uncertain significance (1 of 4 stars; one submission).

Conditions:
Dyskeratosis congenita, autosomal dominant 1 (DKCA1). Also called: Dyskeratosis congenita Scoggins type. Identifiers: Orphanet 1775, MedGen C4551974, MONDO:0007485, OMIM 127550. Inheritance: Variable.

Submission:

Labcorp Genetics (formerly Invitae), Labcorp
Classification: Uncertain significance for Dyskeratosis congenita, autosomal dominant 1. Last evaluated: 2024-07-12. Review status: criteria provided, single submitter. Criteria: Invitae Variant Classification Sherloc (09022015). Collection method: clinical testing. Allele origin: germline.
Comment: This variant occurs in the TERC gene, which encodes an RNA molecule that does not result in a protein product. This variant is not present in population databases (gnomAD no frequency). This variant has not been reported in the literature in individuals affected with TERC-related conditions. This variant is located within the conserved regions 4 and 5 (CR4-CR5) domain of the TERC RNA component, which is required for telomerase activity (PMID: 15082312, 21844345). In summary, the available evidence is currently insufficient to determine the role of this variant in disease. Therefore, it has been classified as a Variant of Uncertain Significance.

Literature cited by the submitters: PubMed 15082312; PubMed 21844345.

NR_001566.3(TERC):n.256C>G

Genes: TERC (telomerase RNA component; minus strand), LOC110806306 (telomerase RNA component (TERC) promoter; plus strand). Cytogenetic location: 3q26.2.
Variant type: single nucleotide variant.
Molecular consequence: non-coding transcript variant (on NR_001566.3).
Genome position: GRCh38 VCF-style: chr3-169764805-G-C. GRCh37 (hg19) VCF-style: chr3-169482593-G-C.
Identifiers: ClinVar variation 3659334 (VCV003659334.2).